The following is an entry in ClinVar:

ClinVar aggregate classification (germline): Likely benign (0 of 4 stars; one submission).

Conditions:
VPS13B-related disorder. Also called: VPS13B-related condition.

Submission:

PreventionGenetics, part of Exact Sciences
Classification: Likely benign for VPS13B-related condition. Last evaluated: 2024-02-01. Review status: no assertion criteria provided. Collection method: clinical testing. Allele origin: germline.
Comment: This variant is classified as likely benign based on ACMG/AMP sequence variant interpretation guidelines (Richards et al. 2015 PMID: 25741868, with internal and published modifications).

NC_000008.11:g.100471153G>A

Gene: VPS13B (vacuolar protein sorting 13 homolog B; plus strand). Cytogenetic location: 8q22.2.
Variant type: single nucleotide variant.
Genome position: GRCh38 VCF-style: chr8-100471153-G-A. GRCh37 (hg19) VCF-style: chr8-101483381-G-A.
Identifiers: ClinVar variation 3348324 (VCV003348324.1).